The following is an entry in ClinVar:

ClinVar aggregate classification (germline): Likely benign. Review status: criteria provided, multiple submitters, no conflicts (2 of 4 stars). 4 submissions from 4 submitters: Likely benign (4). Last evaluated 2025-10-02.

Conditions:
Episodic ataxia type 2 (EA2). Also called: ACETAZOLAMIDE-RESPONSIVE HEREDITARY PAROXYSMAL CEREBELLAR ATAXIA; ATAXIA, EPISODIC, WITH NYSTAGMUS; ATAXIA, FAMILIAL PAROXYSMAL; CEREBELLAR ATAXIA, PAROXYSMAL, ACETAZOLAMIDE-RESPONSIVE; CEREBELLOPATHY, HEREDITARY PAROXYSMAL; EPISODIC ATAXIA, NYSTAGMUS-ASSOCIATED. Identifiers: Orphanet 97, MedGen C1720416, MONDO:0007163, OMIM 108500.
Developmental and epileptic encephalopathy, 42 (DEE42A). Also called: Epileptic encephalopathy, early infantile, 42; DEVELOPMENTAL AND EPILEPTIC ENCEPHALOPATHY 42A; EPILEPTIC ENCEPHALOPATHY, EARLY INFANTILE, 42A. Identifiers: MedGen C4310716, MONDO:0014917, OMIM 617106.

Allele frequency attached by ClinVar (database versions not stated): ExAC 0.00003; gnomAD exomes 0.00003; TOPMed 0.00005; gnomAD 0.00009.
gnomAD v4.1: 60 of 1,613,860 alleles (0.0037%); highest among the groups gnomAD compares: Non-Finnish European, 0.0042%; no homozygotes.

Submissions (4):

Labcorp Genetics (formerly Invitae), Labcorp
Classification: Likely benign for Developmental and epileptic encephalopathy, 42; Episodic ataxia type 2. Last evaluated: 2025-10-02. Review status: criteria provided, single submitter. Criteria: Invitae Variant Classification Sherloc (09022015). Collection method: clinical testing. Allele origin: germline.

Blueprint Genetics
Classification: Likely benign. Last evaluated: 2024-11-25. Review status: criteria provided, single submitter. Criteria: ACMG Guidelines, 2015. Collection method: clinical testing. Allele origin: germline.

CeGaT Center for Human Genetics Tuebingen
Classification: Likely benign. Last evaluated: 2022-08-01. Review status: criteria provided, single submitter. Criteria: CeGaT Center For Human Genetics Tuebingen Variant Classification Criteria Version 2. Collection method: clinical testing. Allele origin: germline. Affected: yes. Observed: 2 variant alleles.
Comment: CACNA1A: BP4, BP7

GeneDx
Classification: Likely benign. Last evaluated: 2020-12-02. Review status: criteria provided, single submitter. Criteria: GeneDx Variant Classification Process June 2021. Collection method: clinical testing. Allele origin: germline. Affected: yes.

NM_001127222.2(CACNA1A):c.3774C>T (p.Ile1258=)

Gene: CACNA1A (calcium voltage-gated channel subunit alpha1 A; minus strand). Cytogenetic location: 19p13.13.
Variant type: single nucleotide variant.
Coding change: c.3774C>T on transcript NM_001127222.2 (MANE Select); coding-DNA position 3774, C replaced by T.
Protein change: p.Ile1258=; no amino-acid change (isoleucine 1258 retained).
Molecular consequence: synonymous variant.
Genome position (GRCh38, 1-based): chr19:13,283,315, G>A on the plus strand (C>T on the coding strand, the complement: CACNA1A is on the minus strand). VCF-style: chr19-13283315-G-A. GRCh37 (hg19) VCF-style: chr19-13394129-G-A.
Other names: c.3786C>T, p.Ile1262= (NM_000068.4, NM_023035.3); c.3777C>T, p.Ile1259= (NM_001127221.2, NM_001174080.2).
Identifiers: ClinVar variation 510931 (VCV000510931.41), dbSNP rs759641758, ClinGen allele CA9240199.